The following is an entry in ClinVar:

ClinVar aggregate classification (germline): Pathogenic (1 of 4 stars; one submission).

Conditions:
Bardet-Biedl syndrome (BBS). Identifiers: Orphanet 110, MedGen C0752166, MONDO:0015229.

Submission:

Labcorp Genetics (formerly Invitae), Labcorp
Classification: Pathogenic for Bardet-Biedl syndrome. Last evaluated: 2021-01-13. Review status: criteria provided, single submitter. Criteria: Invitae Variant Classification Sherloc (09022015). Collection method: clinical testing. Allele origin: germline.
Comment: Loss-of-function variants in WDPCP are known to be pathogenic (PMID: 20671153). This sequence change creates a premature translational stop signal (p.Ala626Lysfs*3) in the WDPCP gene. It is expected to result in an absent or disrupted protein product. This variant is not present in population databases (ExAC no frequency). This variant has not been reported in the literature in individuals with WDPCP-related conditions. For these reasons, this variant has been classified as Pathogenic.

Literature cited by the submitters: PubMed 20671153.

NM_015910.7(WDPCP):c.1872_1875dup (p.Ala626fs)

Gene: WDPCP (WD repeat containing planar cell polarity effector; minus strand). Cytogenetic location: 2p15.
Variant type: Duplication.
Coding change: c.1872_1875dup on transcript NM_015910.7 (MANE Select); coding-DNA positions 1872 to 1875, 4 bases duplicated (AAGA; older notation c.1872_1875dupAAGA).
Protein change: p.Ala626fs; shifts the reading frame from alanine 626.
Molecular consequence: frameshift variant. On other transcripts: non-coding transcript variant (2).
Genome position (GRCh38, 1-based): chr2:63,259,347-63,259,350, TCTT duplicated on the plus strand (AAGA on the coding strand, the reverse complement: WDPCP is on the minus strand); duplicating any 4 consecutive bases within chr2:63,259,347-63,259,351 gives the same sequence; the c. name uses the placement nearest the transcript's 3' end. VCF-style (leftmost placement, unchanged base first): chr2-63259346-C-CTCTT. GRCh37 (hg19) VCF-style: chr2-63486481-C-CTCTT.
Other names: c.1395_1398dup, p.Ala467fs (NM_001042692.3); c.1800_1803dup, p.Ala602fs (NM_001354044.2); short protein forms A467fs, A602fs, A626fs.
Identifiers: ClinVar variation 943229 (VCV000943229.7), dbSNP rs1681413798, ClinGen allele CA1139657061.